The following is an entry in ClinVar:

NM_032043.3(BRIP1):c.3364G>C (p.Glu1122Gln)

Gene: BRIP1 (BRCA1 interacting DNA helicase 1; minus strand). Cytogenetic location: 17q23.2.
Variant type: single nucleotide variant.
Coding change: c.3364G>C on transcript NM_032043.3 (MANE Select); coding-DNA position 3364, G replaced by C.
Protein change: p.Glu1122Gln; replaces glutamic acid 1122 with glutamine.
Molecular consequence: missense variant.
Genome position (GRCh38, 1-based): chr17:61,683,682, C>G on the plus strand (G>C on the coding strand, the complement: BRIP1 is on the minus strand). VCF-style: chr17-61683682-C-G. GRCh37 (hg19) VCF-style: chr17-59761043-C-G.
Other names: short protein forms E1122Q.
Identifiers: ClinVar variation 1730646 (VCV001730646.5), dbSNP rs2144078780, ClinGen allele CA400478889.

ClinVar aggregate classification (germline): Uncertain significance. Review status: criteria provided, multiple submitters, no conflicts (2 of 4 stars). 2 submissions from 2 submitters: Uncertain significance (2). Last evaluated 2024-11-12.

Conditions:
Fanconi anemia complementation group J. Also called: BRIP1-Related Fanconi Anemia. Identifiers: Orphanet 84, MedGen C1836860, MONDO:0012187, OMIM 609054.
Familial cancer of breast. Also called: BREAST CANCER, FAMILIAL; Hereditary breast cancer; hereditary breast carcinoma. Identifiers: Orphanet 227535, MedGen C0346153, MONDO:0016419, OMIM 114480. Disease mechanism: loss of function.
Hereditary cancer-predisposing syndrome. Also called: Neoplastic Syndromes, Hereditary; Tumor predisposition; Hereditary Cancer Syndrome; Hereditary neoplastic syndrome. Identifiers: Orphanet 140162, MedGen C0027672, MeSH D009386, MONDO:0015356.

Allele frequency attached by ClinVar (database versions not stated): gnomAD exomes below 0.00001.
gnomAD v4.1: 1 of 1,613,806 alleles (0.000062%); highest among the groups gnomAD compares: Non-Finnish European, 0.000085%; no homozygotes.

Submissions (2):

Labcorp Genetics (formerly Invitae), Labcorp
Classification: Uncertain significance for Familial cancer of breast; Fanconi anemia complementation group J. Last evaluated: 2024-11-12. Review status: criteria provided, single submitter. Criteria: Invitae Variant Classification Sherloc (09022015). Collection method: clinical testing. Allele origin: germline.
Comment: This sequence change replaces glutamic acid, which is acidic and polar, with glutamine, which is neutral and polar, at codon 1122 of the BRIP1 protein (p.Glu1122Gln). This variant is not present in population databases (gnomAD no frequency). This variant has not been reported in the literature in individuals affected with BRIP1-related conditions. ClinVar contains an entry for this variant (Variation ID: 1730646). Invitae Evidence Modeling of protein sequence and biophysical properties (such as structural, functional, and spatial information, amino acid conservation, physicochemical variation, residue mobility, and thermodynamic stability) indicates that this missense variant is not expected to disrupt BRIP1 protein function with a negative predictive value of 95%. In summary, the available evidence is currently insufficient to determine the role of this variant in disease. Therefore, it has been classified as a Variant of Uncertain Significance.

Ambry Genetics
Classification: Uncertain significance for Hereditary cancer-predisposing syndrome. Last evaluated: 2022-04-01. Review status: criteria provided, single submitter. Criteria: Ambry Variant Classification Scheme 2023. Collection method: clinical testing. Allele origin: germline.
Comment: The p.E1122Q variant (also known as c.3364G>C), located in coding exon 19 of the BRIP1 gene, results from a G to C substitution at nucleotide position 3364. The glutamic acid at codon 1122 is replaced by glutamine, an amino acid with highly similar properties. This amino acid position is conserved. In addition, this alteration is predicted to be tolerated by in silico analysis. Since supporting evidence is limited at this time, the clinical significance of this alteration remains unclear.